The following is an entry in ClinVar:

NM_006947.4(SRP72):c.1156C>G (p.Gln386Glu)

Gene: SRP72 (signal recognition particle 72; plus strand). Cytogenetic location: 4q12.
Variant type: single nucleotide variant.
Coding change: c.1156C>G on transcript NM_006947.4 (MANE Select); coding-DNA position 1156, C replaced by G.
Protein change: p.Gln386Glu; replaces glutamine 386 with glutamic acid.
Molecular consequence: missense variant. On other transcripts: non-coding transcript variant (1).
Genome position (GRCh38, 1-based): chr4:56,486,394, C>G. VCF-style: chr4-56486394-C-G. GRCh37 (hg19) VCF-style: chr4-57352560-C-G.
Other names: c.973C>G, p.Gln325Glu (NM_001267722.2); short protein forms Q386E, Q325E.
Identifiers: ClinVar variation 2772485 (VCV002772485.3), dbSNP rs2545763278, ClinGen allele CA357000325.

ClinVar aggregate classification (germline): Uncertain significance (1 of 4 stars; one submission).

Submission:

Labcorp Genetics (formerly Invitae), Labcorp
Classification: Uncertain significance. Last evaluated: 2024-04-16. Review status: criteria provided, single submitter. Criteria: Invitae Variant Classification Sherloc (09022015). Collection method: clinical testing. Allele origin: germline.
Comment: This sequence change replaces glutamine, which is neutral and polar, with glutamic acid, which is acidic and polar, at codon 386 of the SRP72 protein (p.Gln386Glu). This variant is not present in population databases (gnomAD no frequency). This variant has not been reported in the literature in individuals affected with SRP72-related conditions. Advanced modeling of protein sequence and biophysical properties (such as structural, functional, and spatial information, amino acid conservation, physicochemical variation, residue mobility, and thermodynamic stability) performed at Invitae indicates that this missense variant is not expected to disrupt SRP72 protein function with a negative predictive value of 80%. In summary, the available evidence is currently insufficient to determine the role of this variant in disease. Therefore, it has been classified as a Variant of Uncertain Significance.